The following is an entry in ClinVar:

NM_003072.5(SMARCA4):c.4105C>T (p.Arg1369Cys)

Gene: SMARCA4 (SWI/SNF related BAF chromatin remodeling complex subunit ATPase 4; plus strand). Cytogenetic location: 19p13.2.
Variant type: single nucleotide variant.
Coding change: c.4105C>T on transcript NM_003072.5 (MANE Select); coding-DNA position 4105, C replaced by T.
Protein change: p.Arg1369Cys; replaces arginine 1369 with cysteine.
Molecular consequence: missense variant. On other transcripts: non-coding transcript variant (1).
Genome position (GRCh38, 1-based): chr19:11,035,067, C>T. VCF-style: chr19-11035067-C-T. GRCh37 (hg19) VCF-style: chr19-11145743-C-T.
Other names: c.4105C>T, p.Arg1369Cys (NM_001128844.3, NM_001128849.3, NM_001387283.1); c.4006C>T, p.Arg1336Cys (NM_001128845.2, NM_001128846.2, NM_001128847.4 and 2 more transcripts); short protein forms R1369C, R1336C.
Identifiers: ClinVar variation 408646 (VCV000408646.20), dbSNP rs199962502, ClinGen allele CA9204590.
Genomic context (GRCh38, chr19:11,035,067, plus strand): 5'-AAGGACGACGCGGAGGTGGAGCGGCTGACCTGTGAGGAGGAGGAGGAGAAGATGTTCGGC[C>T]GTGGCTCCCGCCACCGCAAGGAGGTGGACTACAGCGACTCACTGACGGAGAAGCAGTGGC-3'
Protein context (NP_003063.2, residues 1359-1379): CEEEEEKMFG[Arg1369Cys]GSRHRKEVDY

ClinVar aggregate classification (germline): Uncertain significance. Review status: criteria provided, multiple submitters, no conflicts (2 of 4 stars). 6 submissions from 6 submitters: Uncertain significance (6). Last evaluated 2025-01-30.

Conditions:
Hereditary cancer-predisposing syndrome. Also called: Hereditary Cancer Syndrome; Hereditary neoplastic syndrome; Neoplastic Syndromes, Hereditary; Tumor predisposition. Identifiers: Orphanet 140162, MedGen C0027672, MeSH D009386, MONDO:0015356.
Intellectual disability, autosomal dominant 16 (CSS4). Also called: COFFIN-SIRIS SYNDROME 4. Identifiers: Orphanet 1465, MedGen C3553249, MONDO:0013821, OMIM 614609.
Rhabdoid tumor predisposition syndrome 2 (RTPS2). Identifiers: Orphanet 231108, Orphanet 69077, MedGen C2750074, MONDO:0013224, OMIM 613325.

Allele frequency attached by ClinVar (database versions not stated): gnomAD exomes below 0.00001; ExAC 0.00001; gnomAD 0.00001; 1000 Genomes Project 0.00020; 1000 Genomes Project 30x 0.00031.
gnomAD v4.1: 1 of 1,612,780 alleles (0.000062%); highest among the groups gnomAD compares: Non-Finnish European, 0.000085%; no homozygotes.

Submissions (6):

Quest Diagnostics Nichols Institute San Juan Capistrano
Classification: Uncertain significance. Last evaluated: 2025-01-30. Review status: criteria provided, single submitter. Criteria: Quest Diagnostics criteria. Collection method: clinical testing. Allele origin: unknown.
Comment: The SMARCA4 c.4105C>T (p.Arg1369Cys) variant has been reported in the published literature in an individual with recurrent/metastatic head and neck cancer (PMID: 33203166 (2020)). The frequency of this variant in the general population (Genome Aggregation Database) is uninformative in the assessment of its pathogenicity. Analysis of this variant using bioinformatics tools for the prediction of the effect of amino acid changes on protein structure and function yielded predictions that this variant is damaging. Based on the available information, we are unable to determine the clinical significance of this variant.

Ambry Genetics
Classification: Uncertain significance for Hereditary cancer-predisposing syndrome. Last evaluated: 2024-12-27. Review status: criteria provided, single submitter. Criteria: Ambry Variant Classification Scheme 2023. Collection method: clinical testing. Allele origin: germline.
Comment: The p.R1369C variant (also known as c.4105C>T), located in coding exon 28 of the SMARCA4 gene, results from a C to T substitution at nucleotide position 4105. The arginine at codon 1369 is replaced by cysteine, an amino acid with highly dissimilar properties. This amino acid position is highly conserved in available vertebrate species. In addition, this alteration is predicted to be deleterious by in silico analysis. Based on the available evidence, the clinical significance of this variant remains unclear.

Labcorp Genetics (formerly Invitae), Labcorp
Classification: Uncertain significance for Rhabdoid tumor predisposition syndrome 2. Last evaluated: 2024-11-07. Review status: criteria provided, single submitter. Criteria: Invitae Variant Classification Sherloc (09022015). Collection method: clinical testing. Allele origin: germline.
Comment: This sequence change replaces arginine, which is basic and polar, with cysteine, which is neutral and slightly polar, at codon 1369 of the SMARCA4 protein (p.Arg1369Cys). This variant is not present in population databases (gnomAD no frequency). This variant has not been reported in the literature in individuals affected with SMARCA4-related conditions. ClinVar contains an entry for this variant (Variation ID: 408646). Invitae Evidence Modeling of protein sequence and biophysical properties (such as structural, functional, and spatial information, amino acid conservation, physicochemical variation, residue mobility, and thermodynamic stability) indicates that this missense variant is expected to disrupt SMARCA4 protein function with a positive predictive value of 95%. In summary, the available evidence is currently insufficient to determine the role of this variant in disease. Therefore, it has been classified as a Variant of Uncertain Significance.

Genomic Medicine Center of Excellence, King Faisal Specialist Hospital and Research Centre
Classification: Uncertain significance for Rhabdoid tumor predisposition syndrome 2. Last evaluated: 2024-03-29. Review status: criteria provided, single submitter. Criteria: ACMG Guidelines, 2015. Collection method: clinical testing. Allele origin: germline.

Baylor Genetics
Classification: Uncertain significance for Rhabdoid tumor predisposition syndrome 2. Last evaluated: 2023-10-22. Review status: criteria provided, single submitter. Criteria: ACMG Guidelines, 2015. Collection method: clinical testing. Allele origin: unknown.

Genome-Nilou Lab
Classification: Uncertain significance for Intellectual disability, autosomal dominant 16. Last evaluated: 2021-07-15. Review status: criteria provided, single submitter. Criteria: ACMG Guidelines, 2015. Collection method: clinical testing. Allele origin: germline. Affected: no.

Literature cited by the submitters: PubMed 33203166 (cited by Quest Diagnostics Nichols Institute San Juan Capistrano).